The following is an entry in ClinVar:

NM_025132.4(WDR19):c.2503C>G (p.Leu835Val)

Gene: WDR19 (WD repeat domain 19; plus strand). Cytogenetic location: 4p14.
Variant type: single nucleotide variant.
Coding change: c.2503C>G on transcript NM_025132.4 (MANE Select); coding-DNA position 2503, C replaced by G.
Protein change: p.Leu835Val; replaces leucine 835 with valine.
Molecular consequence: missense variant.
Genome position (GRCh38, 1-based): chr4:39,244,329, C>G. VCF-style: chr4-39244329-C-G. GRCh37 (hg19) VCF-style: chr4-39245949-C-G.
Other names: c.2023C>G, p.Leu675Val (NM_001317924.2); short protein forms L835V, L675V.
Identifiers: ClinVar variation 2183047 (VCV002183047.4), dbSNP rs376711429, ClinGen allele CA95682014.

ClinVar aggregate classification (germline): Uncertain significance (1 of 4 stars; one submission).

Conditions:
Asphyxiating thoracic dystrophy 5 (SRTD5). Also called: SHORT-RIB THORACIC DYSPLASIA 5 WITH OR WITHOUT POLYDACTYLY; SHORT-RIB THORACIC DYSPLASIA 5 WITHOUT POLYDACTYLY. Identifiers: Orphanet 474, MedGen C3280598, MONDO:0013717, OMIM 614376.
Senior-Loken syndrome 8 (SLSN8). Identifiers: Orphanet 3156, MedGen C4225376, MONDO:0014579, OMIM 616307.

Allele frequency attached by ClinVar (database versions not stated): TOPMed 0.00002; ESP Exome Variant Server 0.00008.
gnomAD v4.1: 3 of 1,613,824 alleles (0.00019%); highest among the groups gnomAD compares: Middle Eastern, 0.016%; no homozygotes.

Submission:

Labcorp Genetics (formerly Invitae), Labcorp
Classification: Uncertain significance for Senior-Loken syndrome 8; Asphyxiating thoracic dystrophy 5. Last evaluated: 2025-06-12. Review status: criteria provided, single submitter. Criteria: Invitae Variant Classification Sherloc (09022015). Collection method: clinical testing. Allele origin: germline.
Comment: This sequence change replaces leucine, which is neutral and non-polar, with valine, which is neutral and non-polar, at codon 835 of the WDR19 protein (p.Leu835Val). This variant is not present in population databases (gnomAD no frequency). This variant has not been reported in the literature in individuals affected with WDR19-related conditions. ClinVar contains an entry for this variant (Variation ID: 2183047). Invitae Evidence Modeling of protein sequence and biophysical properties (such as structural, functional, and spatial information, amino acid conservation, physicochemical variation, residue mobility, and thermodynamic stability) indicates that this missense variant is not expected to disrupt WDR19 protein function with a negative predictive value of 80%. In summary, the available evidence is currently insufficient to determine the role of this variant in disease. Therefore, it has been classified as a Variant of Uncertain Significance.